The following is an entry in ClinVar:

NM_001267550.2(TTN):c.102445G>A (p.Glu34149Lys)

Genes: TTN (titin; minus strand), TTN-AS1 (TTN antisense RNA 1; plus strand). Cytogenetic location: 2q31.2.
Variant type: single nucleotide variant.
Coding change: c.102445G>A on transcript NM_001267550.2 (MANE Select); coding-DNA position 102445, G replaced by A.
Protein change: p.Glu34149Lys; replaces glutamic acid 34149 with lysine.
Molecular consequence: missense variant.
Genome position (GRCh38, 1-based): chr2:178,534,170, C>T on the plus strand (G>A on the coding strand, the complement: TTN is on the minus strand). VCF-style: chr2-178534170-C-T. GRCh37 (hg19) VCF-style: chr2-179398897-C-T.
Other names: c.97522G>A, p.Glu32508Lys (NM_001256850.1); c.75250G>A, p.Glu25084Lys (NM_003319.4); c.94741G>A, p.Glu31581Lys (NM_133378.4); c.75625G>A, p.Glu25209Lys (NM_133432.3); c.75826G>A, p.Glu25276Lys (NM_133437.4); short protein forms E25084K, E25209K, E25276K, E31581K, E32508K, E34149K.
Identifiers: ClinVar variation 1051955 (VCV001051955.9), dbSNP rs780580255, ClinGen allele CA1985751.
Genomic context (GRCh38, chr2:178,534,170, plus strand): 5'-TCACTTGGGTAGACTGATCATAATTTTCAATTTTGCATACATATTTGACATGTCCTCCTT[C>T]TTCACCAACTGCATGCATTATCTGCCCAGAAACTGGGCCAATTTCAATGGATGCCACTTT-3'
Protein context (NP_001254479.2, residues 34139-34159): SGQIMHAVGE[Glu34149Lys]GGHVKYVCKI

ClinVar aggregate classification (germline): Uncertain significance (1 of 4 stars; one submission).

Conditions:
Dilated cardiomyopathy 1G (CMD1G). Identifiers: Orphanet 154, MedGen C1858763, MONDO:0011400, OMIM 604145.
Autosomal recessive limb-girdle muscular dystrophy type 2J (LGMDR10). Also called: Limb-girdle muscular dystrophy, type 2J; MUSCULAR DYSTROPHY, LIMB-GIRDLE, AUTOSOMAL RECESSIVE 10. Identifiers: Orphanet 140922, MedGen C1837342, MONDO:0012127, OMIM 608807.

Allele frequency attached by ClinVar (database versions not stated): gnomAD exomes below 0.00001 and 0.00001; TOPMed below 0.00001; ExAC 0.00001; gnomAD 0.00001.
gnomAD v4.1: 8 of 1,613,842 alleles (0.0005%); highest among the groups gnomAD compares: Admixed American, 0.0017%; no homozygotes.

Submission:

Labcorp Genetics (formerly Invitae), Labcorp
Classification: Uncertain significance for Dilated cardiomyopathy 1G; Autosomal recessive limb-girdle muscular dystrophy type 2J. Last evaluated: 2025-04-17. Review status: criteria provided, single submitter. Criteria: Invitae Variant Classification Sherloc (09022015). Collection method: clinical testing. Allele origin: germline.
Comment: This sequence change replaces glutamic acid, which is acidic and polar, with lysine, which is basic and polar, at codon 34149 of the TTN protein (p.Glu34149Lys). This variant is present in population databases (rs780580255, gnomAD 0.003%). This variant has not been reported in the literature in individuals affected with TTN-related conditions. ClinVar contains an entry for this variant (Variation ID: 1051955). Experimental studies and prediction algorithms are not available or were not evaluated, and the functional significance of this variant is currently unknown. This variant is located in the M band of TTN (PMID: 25589632). Non-truncating variants in this region may be relevant for neuromuscular disorders, but have not been definitively shown to cause cardiomyopathy (PMID: 23975875). In summary, the available evidence is currently insufficient to determine the role of this variant in disease. Therefore, it has been classified as a Variant of Uncertain Significance.

Literature cited by the submitters: PubMed 25589632; PubMed 23975875.